The following is an entry in ClinVar:

ClinVar aggregate classification (germline): Likely pathogenic (1 of 4 stars; one submission).

Conditions:
Developmental delay, hypotonia, and impaired language (DEDHIL). Identifiers: MedGen C5774202, MONDO:0859280, OMIM 620012.

Submission:

Greenwood Genetic Center Diagnostic Laboratories, Greenwood Genetic Center
Classification: Likely pathogenic for Developmental delay, hypotonia, and impaired language. Last evaluated: 2024-03-28. Review status: criteria provided, single submitter. Criteria: ACMG Guidelines, 2015. Collection method: clinical testing. Allele origin: germline. Affected: yes.
Comment: PVS1, PM2

NM_001349798.2(FBXW7):c.915_918dup (p.Thr307fs)

Gene: FBXW7 (F-box and WD repeat domain containing 7; minus strand). Cytogenetic location: 4q31.3.
Variant type: Duplication.
Coding change: c.915_918dup on transcript NM_001349798.2 (MANE Select); coding-DNA positions 915 to 918, 4 bases duplicated (TCAG; older notation c.915_918dupTCAG).
Protein change: p.Thr307fs; shifts the reading frame from threonine 307.
Molecular consequence: frameshift variant.
Genome position (GRCh38, 1-based): chr4:152,332,663-152,332,666, CTGA duplicated on the plus strand (TCAG on the coding strand, the reverse complement: FBXW7 is on the minus strand). VCF-style (leftmost placement, unchanged base first): chr4-152332662-T-TCTGA. GRCh37 (hg19) VCF-style: chr4-153253814-T-TCTGA.
Other names: c.561_564dup, p.Thr189fs (NM_001013415.2); c.675_678dup, p.Thr227fs (NM_018315.5); c.915_918dup, p.Thr307fs (NM_033632.3); short protein forms T189fs, T227fs, T307fs.
Identifiers: ClinVar variation 3235824 (VCV003235824.1), dbSNP rs2530234915, ClinGen allele CA2825001302.